The following is an entry in ClinVar:

NM_014314.4(RIGI):c.86T>A (p.Met29Lys)

Gene: RIGI (RNA sensor RIG-I; minus strand). Cytogenetic location: 9p21.1.
Variant type: single nucleotide variant.
Coding change: c.86T>A on transcript NM_014314.4 (MANE Select); coding-DNA position 86, T replaced by A.
Protein change: p.Met29Lys; replaces methionine 29 with lysine.
Molecular consequence: missense variant. On other transcripts: 5 prime UTR variant (3).
Genome position (GRCh38, 1-based): chr9:32,526,081, A>T on the plus strand (T>A on the coding strand, the complement: RIGI is on the minus strand). VCF-style: chr9-32526081-A-T. GRCh37 (hg19) VCF-style: chr9-32526079-A-T.
Other names: c.86T>A, p.Met29Lys (NM_001385907.1, NM_001385909.1, NM_001385913.1); c.-369T>A (NM_001385910.1, NM_001385914.1); c.-376T>A (NM_001385912.1); short protein forms M29K.
Identifiers: ClinVar variation 1946159 (VCV001946159.5), dbSNP rs1820836596, ClinGen allele CA373150791.

ClinVar aggregate classification (germline): Uncertain significance (1 of 4 stars; one submission).

Allele frequency attached by ClinVar (database versions not stated): TOPMed below 0.00001; gnomAD 0.00001.
gnomAD v4.1: 1 of 1,613,578 alleles (0.000062%); highest among the groups gnomAD compares: African/African-American, 0.0013%; no homozygotes.

Submission:

Labcorp Genetics (formerly Invitae), Labcorp
Classification: Uncertain significance. Last evaluated: 2022-10-25. Review status: criteria provided, single submitter. Criteria: Invitae Variant Classification Sherloc (09022015). Collection method: clinical testing. Allele origin: germline.
Comment: This variant has not been reported in the literature in individuals affected with DDX58-related conditions. In summary, the available evidence is currently insufficient to determine the role of this variant in disease. Therefore, it has been classified as a Variant of Uncertain Significance. Algorithms developed to predict the effect of missense changes on protein structure and function are either unavailable or do not agree on the potential impact of this missense change (SIFT: "Deleterious"; PolyPhen-2: "Possibly Damaging"; Align-GVGD: "Class C0"). This variant is not present in population databases (gnomAD no frequency). This sequence change replaces methionine, which is neutral and non-polar, with lysine, which is basic and polar, at codon 29 of the DDX58 protein (p.Met29Lys).